The following is an entry in ClinVar:

ClinVar aggregate classification (germline): Likely benign (0 of 4 stars; one submission).

Conditions:
AGMO-related disorder. Also called: AGMO-related condition.

Allele frequency attached by ClinVar (database versions not stated): gnomAD exomes 0.00003; TOPMed 0.00005; 1000 Genomes Project 30x 0.00094; 1000 Genomes Project 0.00120.
gnomAD v4.1: 62 of 1,612,836 alleles (0.0038%); highest among the groups gnomAD compares: East Asian, 0.089%; 1 homozygote.

Submission:

PreventionGenetics, part of Exact Sciences
Classification: Likely benign for AGMO-related condition. Last evaluated: 2019-07-12. Review status: no assertion criteria provided. Collection method: clinical testing. Allele origin: germline.
Comment: This variant is classified as likely benign based on ACMG/AMP sequence variant interpretation guidelines (Richards et al. 2015 PMID: 25741868, with internal and published modifications).

NM_001004320.2(AGMO):c.1224C>T (p.His408=)

Gene: AGMO (alkylglycerol monooxygenase; minus strand). Cytogenetic location: 7p21.2.
Variant type: single nucleotide variant.
Coding change: c.1224C>T on transcript NM_001004320.2 (MANE Select); coding-DNA position 1224, C replaced by T.
Protein change: p.His408=; no amino-acid change (histidine 408 retained).
Molecular consequence: synonymous variant.
Genome position (GRCh38, 1-based): chr7:15,365,553, G>A on the plus strand (C>T on the coding strand, the complement: AGMO is on the minus strand). VCF-style: chr7-15365553-G-A. GRCh37 (hg19) VCF-style: chr7-15405178-G-A.
Identifiers: ClinVar variation 3033422 (VCV003033422.2), dbSNP rs190327309, ClinGen allele CA4168301.